The following is an entry in ClinVar:

NM_005045.4(RELN):c.1144-15T>C

Gene: RELN (reelin; minus strand). Cytogenetic location: 7q22.1.
Variant type: single nucleotide variant.
Coding change: c.1144-15T>C on transcript NM_005045.4 (MANE Select); 15 bases into the intron before coding-DNA position 1144, T replaced by C.
Molecular consequence: intron variant.
Genome position (GRCh38, 1-based): chr7:103,682,276, A>G on the plus strand (T>C on the coding strand, the complement: RELN is on the minus strand). VCF-style: chr7-103682276-A-G. GRCh37 (hg19) VCF-style: chr7-103322723-A-G.
Other names: c.1144-15T>C (NM_173054.3).
Identifiers: ClinVar variation 212030 (VCV000212030.40), dbSNP rs2301560, ClinGen allele CA206777.

ClinVar aggregate classification (germline): Conflicting classifications of pathogenicity. Review status: criteria provided, conflicting classifications (1 of 4 stars). 4 submissions from 4 submitters: Uncertain significance (1); Benign (3). Last evaluated 2026-06-01.

Conditions:
Familial temporal lobe epilepsy 7. Identifiers: Orphanet 101046, MedGen C4225327, MONDO:0014639, OMIM 616436.
Norman-Roberts syndrome (LIS2). Also called: Lissencephaly 2 (Norman-Roberts type). Identifiers: Orphanet 89844, MedGen C0796089, MONDO:0009760, OMIM 257320.

Allele frequency attached by ClinVar (database versions not stated): gnomAD 0.00025 and 0.00080; TOPMed 0.00062; gnomAD exomes 0.00119 and 0.00276; ExAC 0.00290; 1000 Genomes Project 30x 0.00625; 1000 Genomes Project 0.00699.
gnomAD v4.1: 1,882 of 1,613,926 alleles (0.12%); highest among the groups gnomAD compares: South Asian, 1.3%; 32 homozygotes.

Submissions (4):

CeGaT Center for Human Genetics Tuebingen
Classification: Benign. Last evaluated: 2026-06-01. Review status: criteria provided, single submitter. Criteria: CeGaT Center For Human Genetics Tuebingen Variant Classification Criteria Version 2. Collection method: clinical testing. Allele origin: germline. Affected: yes. Observed: 6 variant alleles.
Comment: RELN: BS1, BS2

Labcorp Genetics (formerly Invitae), Labcorp
Classification: Benign for Familial temporal lobe epilepsy 7; Norman-Roberts syndrome. Last evaluated: 2026-01-19. Review status: criteria provided, single submitter. Criteria: Invitae Variant Classification Sherloc (09022015). Collection method: clinical testing. Allele origin: germline.

Illumina Laboratory Services, Illumina
Classification: Benign for Norman-Roberts syndrome. Last evaluated: 2018-01-12. Review status: criteria provided, single submitter. Criteria: ICSL Variant Classification Criteria 13 December 2019. Collection method: clinical testing. Allele origin: germline.
Comment: This variant was observed in the ICSL laboratory as part of a predisposition screen in an ostensibly healthy population. It had not been previously curated by ICSL or reported in the Human Gene Mutation Database (HGMD: prior to June 1st, 2018), and was therefore a candidate for classification through an automated scoring system. Utilizing variant allele frequency, disease prevalence and penetrance estimates, and inheritance mode, an automated score was calculated to assess if this variant is too frequent to cause the disease. Based on the score and internal cut-off values, a variant classified as benign is not then subjected to further curation. The score for this variant resulted in a classification of benign for this disease.

Genetic Services Laboratory, University of Chicago
Classification: Uncertain significance. Last evaluated: 2013-05-21. Review status: criteria provided, single submitter. Criteria: ACMG Guidelines, 2007. Collection method: clinical testing. Allele origin: germline.